The following is an entry in ClinVar:

ClinVar aggregate classification (germline): Uncertain significance (1 of 4 stars; one submission).

Submission:

Labcorp Genetics (formerly Invitae), Labcorp
Classification: Uncertain significance. Last evaluated: 2022-06-18. Review status: criteria provided, single submitter. Criteria: Invitae Variant Classification Sherloc (09022015). Collection method: clinical testing. Allele origin: germline.
Comment: This sequence change falls in intron 14 of the IFT81 gene. It does not directly change the encoded amino acid sequence of the IFT81 protein. It affects a nucleotide within the consensus splice site. This variant is present in population databases (rs777601563, gnomAD 0.0009%). This variant has been observed in individual(s) with short-rib polydactyly syndrome (PMID: 32783357). Variants that disrupt the consensus splice site are a relatively common cause of aberrant splicing (PMID: 17576681, 9536098). Studies have shown that this variant is associated with altered splicing resulting in an unknown protein product impact (PMID: 32783357). In summary, the available evidence is currently insufficient to determine the role of this variant in disease. Therefore, it has been classified as a Variant of Uncertain Significance.

Literature cited by the submitters: PubMed 32783357; PubMed 17576681; PubMed 9536098.

NM_014055.4(IFT81):c.1557+3_1557+6del

Gene: IFT81 (intraflagellar transport 81; plus strand). Cytogenetic location: 12q24.11.
Variant type: Microsatellite.
Coding change: c.1557+3_1557+6del on transcript NM_014055.4 (MANE Select); bases 3 to 6 of the intron after coding-DNA position 1557, 4 bases deleted (AAGT; older notation c.1557+3_1557+6delAAGT).
Molecular consequence: splice donor variant.
Genome position (GRCh38, 1-based): chr12:110,192,709-110,192,712, AAGT deleted; deleting any 4 consecutive bases within chr12:110,192,705-110,192,712 gives the same sequence; the c. name uses the placement nearest the transcript's 3' end. VCF-style (leftmost placement, unchanged base first): chr12-110192704-CAAGT-C. GRCh37 (hg19) VCF-style: chr12-110630509-CAAGT-C.
Other names: c.627+3_627+6del (NM_001347948.2, NM_001347947.2); c.1557+3_1557+6del (NM_001143779.2).
Identifiers: ClinVar variation 1902899 (VCV001902899.5), dbSNP rs777601563, ClinGen allele CA6783396.